The following is an entry in ClinVar:

NM_007194.4(CHEK2):c.541C>T (p.Arg181Cys)

Gene: CHEK2 (checkpoint kinase 2; minus strand). Cytogenetic location: 22q12.1.
Variant type: single nucleotide variant.
Coding change: c.541C>T on transcript NM_007194.4 (MANE Select); coding-DNA position 541, C replaced by T.
Protein change: p.Arg181Cys; replaces arginine 181 with cysteine.
Molecular consequence: missense variant. On other transcripts: 5 prime UTR variant (2), intron variant (1).
Genome position (GRCh38, 1-based): chr22:28,725,028, G>A on the plus strand (C>T on the coding strand, the complement: CHEK2 is on the minus strand). VCF-style: chr22-28725028-G-A. GRCh37 (hg19) VCF-style: chr22-29121016-G-A.
Other names: c.670C>T, p.Arg224Cys (NM_001005735.3, NM_001438294.1); c.-237C>T (NM_001257387.3); c.-123C>T (NM_001437942.1); c.634C>T, p.Arg212Cys (NM_001438293.1, NM_001438295.1); c.541C>T, p.Arg181Cys (NM_145862.3); c.445-105C>T (NM_001349956.3); c.670C>T (NM_001005735.1); short protein forms R181C, R224C, R212C.
Identifiers: ClinVar variation 5597 (VCV000005597.63), dbSNP rs137853010, ClinGen allele CA117640.

ClinVar aggregate classification (germline): Conflicting classifications of pathogenicity. Review status: criteria provided, conflicting classifications (1 of 4 stars). 28 submissions from 28 submitters: Uncertain significance (21); Benign (1); Likely benign (1). 5 of the submissions do not count toward it. Last evaluated 2026-01-19.

Conditions:
CHEK2-related disorder.
Predisposition to cancer.
Hereditary cancer-predisposing syndrome. Also called: Neoplastic Syndromes, Hereditary; Tumor predisposition; Hereditary Cancer Syndrome; Hereditary neoplastic syndrome. Identifiers: Orphanet 140162, MedGen C0027672, MeSH D009386, MONDO:0015356.
Hereditary breast ovarian cancer syndrome. Also called: Hereditary breast and/or ovarian cancer syndrome; BRCA1- and BRCA2-Associated Hereditary Breast and Ovarian Cancer; Hereditary breast and ovarian cancer syndrome; Hereditary breast and ovarian cancer; Breast and ovarian cancer; Hereditary breast and ovarian cancer syndrome (HBOC). Identifiers: Orphanet 145, MedGen C0677776, MeSH D061325, MONDO:0003582. Disease mechanism: loss of function.
CHEK2-related cancer predisposition (TPDS4). Also called: CHEK2-related cancer susceptibility; TUMOR PREDISPOSITION SYNDROME 4; CANCER PREDISPOSITION SYNDROME, CHEK2-RELATED. Identifiers: Orphanet 524, MedGen C5882668, MONDO:0700271, OMIM 609265.
Prostate cancer, somatic. Identifiers: MedGen C4015779.
Familial cancer of breast. Also called: BREAST CANCER, FAMILIAL; Hereditary breast cancer; hereditary breast carcinoma. Identifiers: Orphanet 227535, MedGen C0346153, MONDO:0016419, OMIM 114480. Disease mechanism: loss of function.

Allele frequency attached by ClinVar (database versions not stated): TOPMed 0.00003; gnomAD 0.00006; gnomAD exomes 0.00008 and 0.00011; ExAC 0.00010.
gnomAD v4.1: 130 of 1,613,650 alleles (0.0081%); highest among the groups gnomAD compares: South Asian, 0.049%; no homozygotes.

Submissions 1 to 7 of 28:

Labcorp Genetics (formerly Invitae), Labcorp
Classification: Uncertain significance for Familial cancer of breast. Last evaluated: 2026-01-19. Review status: criteria provided, single submitter. Criteria: Invitae Variant Classification Sherloc (09022015). Collection method: clinical testing. Allele origin: germline.
Comment: This sequence change replaces arginine, which is basic and polar, with cysteine, which is neutral and slightly polar, at codon 181 of the CHEK2 protein (p.Arg181Cys). This variant is present in population databases (rs137853010, gnomAD 0.05%), and has an allele count higher than expected for a pathogenic variant. This missense change has been observed in individual(s) with CHEK2-related conditions (PMID: 18058223, 18996005, 22419737, 29522266, 36468172). ClinVar contains an entry for this variant (Variation ID: 5597). An algorithm developed to predict the effect of missense changes on protein structure and function outputs the following: PolyPhen-2: "Benign". The cysteine amino acid residue is found in multiple mammalian species, which suggests that this missense change does not adversely affect protein function. Experimental studies are conflicting or provide insufficient evidence to determine the effect of this variant on CHEK2 function (PMID: 16835864, 22419737, 30851065). In summary, the available evidence is currently insufficient to determine the role of this variant in disease. Therefore, it has been classified as a Variant of Uncertain Significance.

PreventionGenetics, part of Exact Sciences
Classification: Uncertain significance for CHEK2-related condition. Last evaluated: 2025-12-26. Review status: criteria provided, single submitter. Criteria: ACMG Guidelines, 2015. Collection method: clinical testing. Allele origin: germline.
Comment: The CHEK2 c.541C>T variant is predicted to result in the amino acid substitution p.Arg181Cys. This variant has been reported in individuals with a history of colorectal, breast, or prostate cancers and was absent from control cohorts (Dong et al. 2003. PubMed ID: 12533788; Wu et al. 2006. PubMed ID: 16835864; Kleibl et al. 2008. PubMed ID: 18058223; Kleibl et al. 2009. PubMed ID: 18996005; Wu et al. 2018. PubMed ID: 29520813). Functional assays have demonstrated that this variant impacts CHEK2 kinase activity and has an intermediate response to DNA damage (Roeb et al. 2012. PubMed ID: 22419737; Wu et al. 2006. PubMed ID: 16835864). Results of an in vivo, yeast‐based, functional assay indicated that this variant did not impact growth, which suggests this allele may be functional (i.e. benign) (Delimitsou et al. 2019. PubMed ID: 30851065). This variant is reported in 0.052% of alleles in individuals of South Asian descent in gnomAD and has conflicting interpretations in ClinVar ranging from uncertain to likely benign (Variation ID: 5597). At this time, the clinical significance of this variant is uncertain due to the absence of conclusive functional and genetic evidence.

Institute of Human Genetics, University of Leipzig Medical Center
Classification: Likely benign for Familial cancer of breast. Last evaluated: 2025-11-13. Review status: criteria provided, single submitter. Criteria: ACMG Guidelines, 2015. Collection method: clinical testing. Allele origin: unknown. Inheritance: Autosomal dominant inheritance. Affected: no.
Comment: Criteria applied: BS3,BS1_SUP

Women's Health and Genetics/Laboratory Corporation of America, LabCorp
Classification: Uncertain significance. Last evaluated: 2025-09-22. Review status: criteria provided, single submitter. Criteria: LabCorp Variant Classification Summary - May 2015. Collection method: clinical testing. Allele origin: germline.
Comment: Variant summary: CHEK2 c.541C>T (p.Arg181Cys) results in a non-conservative amino acid change located in the Forkhead-associated (FHA) domain (IPR000253) of the encoded protein sequence. Algorithms developed to predict the effect of missense changes on protein structure and function are either unavailable or do not agree on the potential impact of this missense change. The variant allele was found at a frequency of 0.00011 in 251404 control chromosomes, predominantly at a frequency of 0.00052 within the South Asian subpopulation in the gnomAD database. The observed variant frequency within South Asian control individuals in the gnomAD database exceeds the estimated maximal expected allele frequency for disease-causing variants in CHEK2. c.541C>T has been observed in individual(s) affected with prostate-, breast- and colorectal cancer, as well as in pediatric acute lymphoblastic leukemia and Ewing sarcoma, and multiple primary tumors (Dong_2003, Wu_2018, Kleibl_2008, Kleibl_2009, Zhang_2016, Brohl_2017, Dorling_2021, Wallander_2021, Wagener_2023), however it was also reported in several unaffected controls (Momozawa_2018, Kleiblova_2019, Narang_2020, Dorling_2021, Mizukami_2020). These report(s) do not provide unequivocal conclusions about association of the variant with Hereditary Breast And Ovarian Cancer Syndrome. Co-occurrences with other pathogenic variant(s) have been reported (TCF3-PBX1 translocation) (Wagener_2023), providing supporting evidence for a benign role. Several publications report experimental evidence evaluating an impact on protein function and these results are conflicting or provide insufficient evidence to determine the effect of this variant on CHEK2 function (Wu_2006, Roeb_2012, Delimitsou_2019, Kleiblova_2019). The following publications have been ascertained in the context of this evaluation (PMID: 28125078, 19782031, 30851065, 12533788, 33471991, 32923877, 18058223, 18996005, 31050813, 32980694, 30287823, 32906206, 22419737, 36468172, 34711244, 16835864, 29520813, 26580448, 16941491). ClinVar contains an entry for this variant (Variation ID: 5597). Based on the evidence outlined above, the variant was classified as VUS-possibly benign.

St. Jude Molecular Pathology, St. Jude Children's Research Hospital
Classification: Uncertain significance for Predisposition to cancer. Last evaluated: 2025-06-17. Review status: criteria provided, single submitter. Criteria: St. Jude Assertion Criteria 2020. Collection method: clinical testing. Allele origin: germline.
Comment: The CHEK2 c.541C>T p.(Arg181Cys) missense change has a maximum subpopulation frequency of 0.05% in gnomAD v2.1.1. The in silico tool REVEL is inconclusive about a pathogenic or benign effect of this variant on protein function and functional studies are conflicting (PMID: 16835864, 22419737, 30851065, 31050813). This variant has been reported in individuals with prostate cancer, breast cancer, and colorectal cancer (PMID: 12533788, 16835864, 18058223, 18996005, 22419737, 29522266, 34711244). In summary, the evidence currently available is insufficient to determine the clinical significance of this variant. It has therefore been classified as of uncertain significance.

Molecular Pathology, Peter Maccallum Cancer Centre
Classification: Uncertain significance for Familial cancer of breast. Last evaluated: 2025-05-16. Review status: criteria provided, single submitter. Criteria: ACMG Guidelines, 2015. Collection method: clinical testing. Allele origin: germline. Inheritance: Autosomal dominant inheritance.

Revvity Omics, Revvity
Classification: Uncertain significance. Last evaluated: 2025-05-12. Review status: criteria provided, single submitter. Criteria: ACMG Guidelines, 2015. Collection method: clinical testing. Allele origin: germline.